The following is an entry in ClinVar:

NM_001370259.2(MEN1):c.432C>A (p.Phe144Leu)

Gene: MEN1 (menin 1; minus strand). Cytogenetic location: 11q13.1.
Variant type: single nucleotide variant.
Coding change: c.432C>A on transcript NM_001370259.2 (MANE Select); coding-DNA position 432, C replaced by A.
Protein change: p.Phe144Leu; replaces phenylalanine 144 with leucine.
Molecular consequence: missense variant.
Genome position (GRCh38, 1-based): chr11:64,809,678, G>T on the plus strand (C>A on the coding strand, the complement: MEN1 is on the minus strand). VCF-style: chr11-64809678-G-T. GRCh37 (hg19) VCF-style: chr11-64577150-G-T.
Other names: c.432C>A, p.Phe144Leu (NM_000244.4, NM_001370251.2, NM_001370260.2 and 9 more transcripts); short protein forms F144L.
Identifiers: ClinVar variation 1346999 (VCV001346999.8), dbSNP rs2136177828, ClinGen allele CA381186710.

ClinVar aggregate classification (germline): Uncertain significance (1 of 4 stars; one submission).

Conditions:
Multiple endocrine neoplasia, type 1 (MEN1). Also called: MEN I; WERMER SYNDROME; MEA I; Endocrine adenomatosis multiple; MEN 1. Identifiers: Orphanet 652, MedGen C0025267, MeSH D018761, MONDO:0007540, OMIM 131100.

Allele frequency attached by ClinVar (database versions not stated): gnomAD exomes below 0.00001.
gnomAD v4.1: 1 of 1,614,164 alleles (0.000062%); highest among the groups gnomAD compares: Non-Finnish European, 0.000085%; no homozygotes.

Submission:

Labcorp Genetics (formerly Invitae), Labcorp
Classification: Uncertain significance for Multiple endocrine neoplasia, type 1. Last evaluated: 2022-03-17. Review status: criteria provided, single submitter. Criteria: Invitae Variant Classification Sherloc (09022015). Collection method: clinical testing. Allele origin: germline.
Comment: This variant disrupts the p.Phe144 amino acid residue in MEN1. Other variant(s) that disrupt this residue have been observed in individuals with MEN1-related conditions (PMID: 9215689, 33101196), which suggests that this may be a clinically significant amino acid residue. In summary, the available evidence is currently insufficient to determine the role of this variant in disease. Therefore, it has been classified as a Variant of Uncertain Significance. Advanced modeling of protein sequence and biophysical properties (such as structural, functional, and spatial information, amino acid conservation, physicochemical variation, residue mobility, and thermodynamic stability) performed at Invitae indicates that this missense variant is expected to disrupt MEN1 protein function. This variant has not been reported in the literature in individuals affected with MEN1-related conditions. This variant is not present in population databases (gnomAD no frequency). This sequence change replaces phenylalanine, which is neutral and non-polar, with leucine, which is neutral and non-polar, at codon 144 of the MEN1 protein (p.Phe144Leu).

Literature cited by the submitters: PubMed 9215689; PubMed 33101196.